The following is an entry in ClinVar:

ClinVar aggregate classification (germline): Uncertain significance. Review status: criteria provided, multiple submitters, no conflicts (2 of 4 stars). 2 submissions from 2 submitters: Uncertain significance (2). Last evaluated 2024-03-06.

Conditions:
Cardiomyopathy (CMYO). Also called: Cardiomyopathies. Identifiers: Orphanet 167848, MedGen C0878544, MONDO:0004994, HP:0001638. Inheritance: Various modes of inheritance.
Hypertrophic cardiomyopathy. Also called: HYPERTROPHIC MYOCARDIOPATHY. Identifiers: Orphanet 217569, MedGen C0007194, MeSH D002312, MONDO:0005045, HP:0001639.

Allele frequency attached by ClinVar (database versions not stated): gnomAD exomes below 0.00001; ExAC 0.00001.

Submissions (2):

Color Diagnostics, LLC DBA Color Health
Classification: Uncertain significance for Cardiomyopathy. Last evaluated: 2024-03-06. Review status: criteria provided, single submitter. Criteria: ACMG Guidelines, 2015. Collection method: clinical testing. Allele origin: germline.
Comment: This missense variant replaces arginine with glutamine at codon 1149 of the MYH7 protein. Computational prediction is inconclusive regarding the impact of this variant on protein structure and function (internally defined REVEL score threshold 0.5 < inconclusive < 0.7, PMID: 27666373). To our knowledge, functional studies have not been reported for this variant. This variant has not been reported in individuals affected with MYH7-related disorders in the literature. This variant has been identified in 1/236226 chromosomes in the general population by the Genome Aggregation Database (gnomAD). The available evidence is insufficient to determine the role of this variant in disease conclusively. Therefore, this variant is classified as a Variant of Uncertain Significance.

Labcorp Genetics (formerly Invitae), Labcorp
Classification: Uncertain significance for Hypertrophic cardiomyopathy. Last evaluated: 2023-12-06. Review status: criteria provided, single submitter. Criteria: Invitae Variant Classification Sherloc (09022015). Collection method: clinical testing. Allele origin: germline.
Comment: This sequence change replaces arginine, which is basic and polar, with glutamine, which is neutral and polar, at codon 1149 of the MYH7 protein (p.Arg1149Gln). This variant is present in population databases (rs768978215, gnomAD 0.003%). This variant has not been reported in the literature in individuals affected with MYH7-related conditions. ClinVar contains an entry for this variant (Variation ID: 1484793). Advanced modeling of protein sequence and biophysical properties (such as structural, functional, and spatial information, amino acid conservation, physicochemical variation, residue mobility, and thermodynamic stability) performed at Invitae indicates that this missense variant is expected to disrupt MYH7 protein function with a positive predictive value of 95%. In summary, the available evidence is currently insufficient to determine the role of this variant in disease. Therefore, it has been classified as a Variant of Uncertain Significance.

NM_000257.4(MYH7):c.3446G>A (p.Arg1149Gln)

Gene: MYH7 (myosin heavy chain 7; minus strand). Cytogenetic location: 14q11.2.
Variant type: single nucleotide variant.
Coding change: c.3446G>A on transcript NM_000257.4 (MANE Select); coding-DNA position 3446, G replaced by A.
Protein change: p.Arg1149Gln; replaces arginine 1149 with glutamine.
Molecular consequence: missense variant.
Genome position (GRCh38, 1-based): chr14:23,420,125, C>T on the plus strand (G>A on the coding strand, the complement: MYH7 is on the minus strand). VCF-style: chr14-23420125-C-T. GRCh37 (hg19) VCF-style: chr14-23889334-C-T.
Other names: short protein forms R1149Q.
Identifiers: ClinVar variation 1484793 (VCV001484793.9), dbSNP rs768978215, ClinGen allele CA037355.